The following is an entry in ClinVar:

NM_001170629.2(CHD8):c.4532C>T (p.Ala1511Val)

Gene: CHD8 (chromodomain helicase DNA binding protein 8; minus strand). Cytogenetic location: 14q11.2.
Variant type: single nucleotide variant.
Coding change: c.4532C>T on transcript NM_001170629.2 (MANE Select); coding-DNA position 4532, C replaced by T.
Protein change: p.Ala1511Val; replaces alanine 1511 with valine.
Molecular consequence: missense variant.
Genome position (GRCh38, 1-based): chr14:21,400,451, G>A on the plus strand (C>T on the coding strand, the complement: CHD8 is on the minus strand). VCF-style: chr14-21400451-G-A. GRCh37 (hg19) VCF-style: chr14-21868610-G-A.
Other names: c.3695C>T, p.Ala1232Val (NM_020920.4); short protein forms A1232V, A1511V.
Identifiers: ClinVar variation 4998005 (VCV004998005.1).

ClinVar aggregate classification (germline): Uncertain significance (1 of 4 stars; one submission).

Conditions:
CHD8-related disorder. Also called: CHD8-related disorders; CHD8-related condition.

Submission:

PreventionGenetics, part of Exact Sciences
Classification: Uncertain significance for CHD8-related condition. Last evaluated: 2026-04-27. Review status: criteria provided, single submitter. Criteria: ACMG Guidelines, 2015. Collection method: clinical testing. Allele origin: germline.
Comment: The CHD8 c.4532C>T variant is predicted to result in the amino acid substitution p.Ala1511Val. To our knowledge, this variant has not been reported in the literature or in a large population database (gnomAD), indicating this variant is rare. At this time, the clinical significance of this variant is uncertain due to the absence of conclusive functional and genetic evidence.